The following is an entry in ClinVar:

ClinVar aggregate classification (germline): Likely benign. Review status: criteria provided, single submitter (1 of 4 stars). 2 submissions from 2 submitters: Likely benign (1). 1 of the submissions does not count toward it. Last evaluated 2018-01-30.

Conditions:
HYCC1-related disorder. Also called: HYCC1-related condition.

Allele frequency attached by ClinVar (database versions not stated): gnomAD exomes 0.00002; ExAC 0.00003; gnomAD 0.00004; TOPMed 0.00004; ESP Exome Variant Server 0.00008.
gnomAD v4.1: 12 of 1,515,182 alleles (0.00079%); highest among the groups gnomAD compares: African/African-American, 0.0055%; no homozygotes.

Submissions (2):

Labcorp Genetics (formerly Invitae), Labcorp
Classification: Likely benign. Last evaluated: 2018-01-30. Review status: criteria provided, single submitter. Criteria: Invitae Variant Classification Sherloc (09022015). Collection method: clinical testing. Allele origin: germline.

PreventionGenetics, part of Exact Sciences
Classification: Likely benign for HYCC1-related condition. Last evaluated: 2021-06-23. Review status: no assertion criteria provided. Collection method: clinical testing. Allele origin: germline. Not counted in ClinVar's aggregate classification.
Comment: This variant is classified as likely benign based on ACMG/AMP sequence variant interpretation guidelines (Richards et al. 2015 PMID: 25741868, with internal and published modifications).

NM_032581.4(HYCC1):c.334-4A>G

Gene: HYCC1 (hyccin PI4KA lipid kinase complex subunit 1; minus strand). Cytogenetic location: 7p15.3.
Variant type: single nucleotide variant.
Coding change: c.334-4A>G on transcript NM_032581.4 (MANE Select); 4 bases into the intron before coding-DNA position 334, A replaced by G.
Molecular consequence: intron variant.
Genome position (GRCh38, 1-based): chr7:22,977,425, T>C on the plus strand (A>G on the coding strand, the complement: HYCC1 is on the minus strand). VCF-style: chr7-22977425-T-C. GRCh37 (hg19) VCF-style: chr7-23017044-T-C.
Other names: c.334-4A>G (NM_001363467.2, NM_001363466.2).
Identifiers: ClinVar variation 722379 (VCV000722379.5), dbSNP rs377308585, ClinGen allele CA4186033.